The following is an entry in ClinVar:

NM_005477.3(HCN4):c.2653G>C (p.Gly885Arg)

Gene: HCN4 (hyperpolarization activated cyclic nucleotide gated potassium channel 4; minus strand). Cytogenetic location: 15q24.1.
Variant type: single nucleotide variant.
Coding change: c.2653G>C on transcript NM_005477.3 (MANE Select); coding-DNA position 2653, G replaced by C.
Protein change: p.Gly885Arg; replaces glycine 885 with arginine.
Molecular consequence: missense variant.
Genome position (GRCh38, 1-based): chr15:73,323,440, C>G on the plus strand (G>C on the coding strand, the complement: HCN4 is on the minus strand). VCF-style: chr15-73323440-C-G. GRCh37 (hg19) VCF-style: chr15-73615781-C-G.
Other names: short protein forms G885R.
Identifiers: ClinVar variation 2746152 (VCV002746152.2), dbSNP rs757066783, ClinGen allele CA393088476.
Genomic context (GRCh38, chr15:73,323,440, plus strand): 5'-CTATGGTGGTGGCGGCTACGCCAGCTGATGGTGTGGGAGCCGAGGGGGAGCCACAGGCCC[C>G]GGGGGGTGGGGAGGAGCTGGATGAGGGCAGGAGTGGGCTCAGTCCAGCGGGGGCAGAGAA-3'
Protein context (NP_005468.1, residues 875-895): LPSSSSSPPP[Gly885Arg]ACGSPSAPTP

ClinVar aggregate classification (germline): Uncertain significance (1 of 4 stars; one submission).

Conditions:
Brugada syndrome 8 (BRGDA8). Identifiers: Orphanet 130, MedGen C2751083, MONDO:0013148, OMIM 613123.

Submission:

Labcorp Genetics (formerly Invitae), Labcorp
Classification: Uncertain significance for Brugada syndrome 8. Last evaluated: 2023-07-24. Review status: criteria provided, single submitter. Criteria: Invitae Variant Classification Sherloc (09022015). Collection method: clinical testing. Allele origin: germline.
Comment: In summary, the available evidence is currently insufficient to determine the role of this variant in disease. Therefore, it has been classified as a Variant of Uncertain Significance. Experimental studies have shown that this missense change does not substantially affect HCN4 function (PMID: 24607718). Advanced modeling of protein sequence and biophysical properties (such as structural, functional, and spatial information, amino acid conservation, physicochemical variation, residue mobility, and thermodynamic stability) performed at Invitae indicates that this missense variant is not expected to disrupt HCN4 protein function. This missense change has been observed in individual(s) with atrial fibrillation (PMID: 24607718). This variant is not present in population databases (gnomAD no frequency). This sequence change replaces glycine, which is neutral and non-polar, with arginine, which is basic and polar, at codon 885 of the HCN4 protein (p.Gly885Arg).

Literature cited by the submitters: PubMed 24607718.